The following is an entry in ClinVar:

NM_006904.7(PRKDC):c.5576A>G (p.Asn1859Ser)

Gene: PRKDC (protein kinase, DNA-activated, catalytic subunit; minus strand). Cytogenetic location: 8q11.21.
Variant type: single nucleotide variant.
Coding change: c.5576A>G on transcript NM_006904.7 (MANE Select); coding-DNA position 5576, A replaced by G.
Protein change: p.Asn1859Ser; replaces asparagine 1859 with serine.
Molecular consequence: missense variant.
Genome position (GRCh38, 1-based): chr8:47,863,573, T>C on the plus strand (A>G on the coding strand, the complement: PRKDC is on the minus strand). VCF-style: chr8-47863573-T-C. GRCh37 (hg19) VCF-style: chr8-48776134-T-C.
Other names: c.5576A>G, p.Asn1859Ser (NM_001081640.2); short protein forms N1859S.
Identifiers: ClinVar variation 835453 (VCV000835453.8), dbSNP rs2088727928, ClinGen allele CA371163252.

ClinVar aggregate classification (germline): Uncertain significance (1 of 4 stars; one submission).

Conditions:
Severe combined immunodeficiency due to DNA-PKcs deficiency. Also called: Immunodeficiency 26 with or without neurologic abnormalities; IMMUNODEFICIENCY 26 WITH NEUROLOGIC ABNORMALITIES. Identifiers: Orphanet 317425, MedGen C4014833, MONDO:0014423, OMIM 615966.

Allele frequency attached by ClinVar (database versions not stated): gnomAD exomes below 0.00001.
gnomAD v4.1: 1 of 1,607,660 alleles (0.000062%); highest among the groups gnomAD compares: South Asian, 0.0011%; no homozygotes.

Submission:

Labcorp Genetics (formerly Invitae), Labcorp
Classification: Uncertain significance for Severe combined immunodeficiency due to DNA-PKcs deficiency. Last evaluated: 2019-03-25. Review status: criteria provided, single submitter. Criteria: Invitae Variant Classification Sherloc (09022015). Collection method: clinical testing. Allele origin: germline.
Comment: This sequence change replaces asparagine with serine at codon 1859 of the PRKDC protein (p.Asn1859Ser). The asparagine residue is moderately conserved and there is a small physicochemical difference between asparagine and serine. This variant is not present in population databases (ExAC no frequency). This variant has not been reported in the literature in individuals with PRKDC-related conditions. Algorithms developed to predict the effect of missense changes on protein structure and function output the following: SIFT: "Tolerated"; PolyPhen-2: Not Available; Align-GVGD: "Class C0". The serine amino acid residue is found in multiple mammalian species, suggesting that this missense change does not adversely affect protein function. These predictions have not been confirmed by published functional studies and their clinical significance is uncertain. In summary, the available evidence is currently insufficient to determine the role of this variant in disease. Therefore, it has been classified as a Variant of Uncertain Significance.